The following is an entry in ClinVar:

NM_024702.3(ZNF750):c.1515G>A (p.Pro505=)

Genes: TBCD (tubulin folding cofactor D), ZNF750 (zinc finger protein 750; minus strand). Cytogenetic location: 17q25.3.
Variant type: single nucleotide variant.
Coding change: c.1515G>A on transcript NM_024702.3 (MANE Select); coding-DNA position 1515, G replaced by A.
Protein change: p.Pro505=; no amino-acid change (proline 505 retained).
Molecular consequence: synonymous variant. On other transcripts: intron variant (5).
Genome position (GRCh38, 1-based): chr17:82,830,799, C>T on the plus strand (G>A on the coding strand, the complement: ZNF750 is on the minus strand). VCF-style: chr17-82830799-C-T. GRCh37 (hg19) VCF-style: chr17-80788675-C-T.
Other names: c.1318+15865C>T (NM_005993.5, NM_001411102.1, NM_001437989.1); c.1267+15865C>T (NM_001411101.1); c.1129+15865C>T (NM_001438250.1).
Identifiers: ClinVar variation 4874054 (VCV004874054.2).
Genomic context (GRCh38, chr17:82,830,799, plus strand): 5'-TGCCAGGTTTATCTCTGATTTCTTGGAGAGGTTGAGGGGGCCCATCCCGGAGCTGTCGTC[C>T]GGACTGGAAGGCGCGGCCTCCGAGACGAGAGAGGCGCTTCCGGTCGGAGCAGGAGGGTCT-3'
Protein context (NP_078978.2, residues 495-515): SLVSEAAPSS[Pro505=]DDSSGMGPLN

ClinVar aggregate classification (germline): Likely benign (1 of 4 stars; one submission).

gnomAD v4.1: 69 of 1,613,400 alleles (0.0043%); highest among the groups gnomAD compares: Admixed American, 0.1%; no homozygotes.

Submission:

CeGaT Center for Human Genetics Tuebingen
Classification: Likely benign. Last evaluated: 2026-06-01. Review status: criteria provided, single submitter. Criteria: CeGaT Center For Human Genetics Tuebingen Variant Classification Criteria Version 2. Collection method: clinical testing. Allele origin: germline. Affected: yes. Observed: 1 variant allele.
Comment: ZNF750: BP4, BP7